The following is an entry in ClinVar:

ClinVar aggregate classification (germline): Pathogenic (1 of 4 stars; one submission).

Conditions:
Ataxia-telangiectasia syndrome (AT). Also called: ATAXIA-TELANGIECTASIA, COMPLEMENTATION GROUP A; ATAXIA-TELANGIECTASIA, FRESNO VARIANT; Ataxia-telangiectasia; LOUIS-BAR SYNDROME; Cerebello-oculocutaneous telangiectasia; Immunodeficiency with ataxia telangiectasia. Identifiers: Orphanet 100, MedGen C0004135, MONDO:0008840, OMIM 208900.

Submission:

Labcorp Genetics (formerly Invitae), Labcorp
Classification: Pathogenic for Ataxia-telangiectasia syndrome. Last evaluated: 2025-03-25. Review status: criteria provided, single submitter. Criteria: Invitae Variant Classification Sherloc (09022015). Collection method: clinical testing. Allele origin: germline.
Comment: This sequence change creates a premature translational stop signal (p.Thr491Profs*5) in the ATM gene. It is expected to result in an absent or disrupted protein product. Loss-of-function variants in ATM are known to be pathogenic (PMID: 23807571, 25614872). This variant is not present in population databases (gnomAD no frequency). This variant has not been reported in the literature in individuals affected with ATM-related conditions. For these reasons, this variant has been classified as Pathogenic.

Literature cited by the submitters: PubMed 23807571; PubMed 25614872.

NM_000051.4(ATM):c.1471del (p.Thr491fs)

Gene: ATM (ATM serine/threonine kinase; plus strand). Cytogenetic location: 11q22.3.
Variant type: Deletion.
Coding change: c.1471del on transcript NM_000051.4 (MANE Select); coding-DNA position 1471, one base deleted (A; older notation c.1471delA).
Protein change: p.Thr491fs; shifts the reading frame from threonine 491.
Molecular consequence: frameshift variant.
Genome position (GRCh38, 1-based): chr11:108,250,936, A deleted. VCF-style (leftmost placement, unchanged base first): chr11-108250935-TA-T. GRCh37 (hg19) VCF-style: chr11-108121662-TA-T.
Other names: c.1471del, p.Thr491fs (NM_001351834.2); short protein forms T491fs.
Identifiers: ClinVar variation 4715868 (VCV004715868.1).